The following is an entry in ClinVar:

ClinVar aggregate classification (germline): Pathogenic (1 of 4 stars; one submission).

Conditions:
Ataxia-telangiectasia syndrome (AT). Also called: Cerebello-oculocutaneous telangiectasia; Immunodeficiency with ataxia telangiectasia; Ataxia-telangiectasia, complementation group E; Ataxia-telangiectasia, complementation group D; LOUIS-BAR SYNDROME; AT, COMPLEMENTATION GROUP C. Identifiers: Orphanet 100, MedGen C0004135, MONDO:0008840, OMIM 208900.

Submission:

Labcorp Genetics (formerly Invitae), Labcorp
Classification: Pathogenic for Ataxia-telangiectasia syndrome. Last evaluated: 2023-03-01. Review status: criteria provided, single submitter. Criteria: Invitae Variant Classification Sherloc (09022015). Collection method: clinical testing. Allele origin: germline.
Comment: For these reasons, this variant has been classified as Pathogenic. This variant has not been reported in the literature in individuals affected with ATM-related conditions. This variant is not present in population databases (gnomAD no frequency). This sequence change creates a premature translational stop signal (p.Tyr303Leufs*2) in the ATM gene. It is expected to result in an absent or disrupted protein product. Loss-of-function variants in ATM are known to be pathogenic (PMID: 23807571, 25614872).

Literature cited by the submitters: PubMed 23807571; PubMed 25614872.

NM_000051.4(ATM):c.907dup (p.Tyr303fs)

Gene: ATM (ATM serine/threonine kinase; plus strand). Cytogenetic location: 11q22.3.
Variant type: Duplication.
Coding change: c.907dup on transcript NM_000051.4 (MANE Select); coding-DNA position 907, one base duplicated (T; older notation c.907dupT).
Protein change: p.Tyr303fs; shifts the reading frame from tyrosine 303.
Molecular consequence: frameshift variant.
Genome position (GRCh38, 1-based): chr11:108,246,969, T duplicated; the last of 2 consecutive T bases (chr11:108,246,968-108,246,969); duplicating either gives the same sequence. VCF-style (leftmost placement, unchanged base first): chr11-108246967-C-CT. GRCh37 (hg19) VCF-style: chr11-108117694-C-CT.
Other names: c.907dup, p.Tyr303fs (NM_001351834.2); short protein forms Y303fs.
Identifiers: ClinVar variation 2841681 (VCV002841681.3), dbSNP rs2497178409, ClinGen allele CA2739270950.